The following is an entry in ClinVar:

ClinVar aggregate classification (germline): Uncertain significance (1 of 4 stars; one submission).

Submission:

GeneDx
Classification: Uncertain significance. Last evaluated: 2023-04-25. Review status: criteria provided, single submitter. Criteria: GeneDx Variant Classification Process June 2021. Collection method: clinical testing. Allele origin: germline. Affected: yes.
Comment: Frameshift variant predicted to result in protein truncation or nonsense mediated decay in a gene or region of a gene for which loss of function is not a well-established mechanism of disease; Not observed at significant frequency in large population cohorts (gnomAD); Has not been previously published as pathogenic or benign to our knowledge

NM_000836.4(GRIN2D):c.107_116dup (p.Gly40fs)

Gene: GRIN2D (glutamate ionotropic receptor NMDA type subunit 2D; plus strand). Cytogenetic location: 19q13.33.
Variant type: Duplication.
Coding change: c.107_116dup on transcript NM_000836.4 (MANE Select); coding-DNA positions 107 to 116, 10 bases duplicated (GCGGGGCCGG; older notation c.107_116dupGCGGGGCCGG).
Protein change: p.Gly40fs; shifts the reading frame from glycine 40.
Molecular consequence: frameshift variant.
Genome position (GRCh38, 1-based): chr19:48,398,499-48,398,508, GCGGGGCCGG duplicated; duplicating any 10 consecutive bases within chr19:48,398,490-48,398,508 gives the same sequence; the c. name uses the placement nearest the transcript's 3' end. VCF-style (leftmost placement, unchanged base first): chr19-48398489-C-CCGGGGCCGGG. GRCh37 (hg19) VCF-style: chr19-48901746-C-CCGGGGCCGGG.
Other names: short protein forms G40fs.
Identifiers: ClinVar variation 2663578 (VCV002663578.1), dbSNP rs2516061749, ClinGen allele CA2576837529.